The following is an entry in ClinVar:

NM_022336.4(EDAR):c.1175C>T (p.Thr392Ile)

Genes: EDAR (ectodysplasin A receptor; minus strand), RANBP2 (RAN binding protein 2; plus strand). Cytogenetic location: 2q13.
Variant type: single nucleotide variant.
Coding change: c.1175C>T on transcript NM_022336.4 (MANE Select); coding-DNA position 1175, C replaced by T.
Protein change: p.Thr392Ile; replaces threonine 392 with isoleucine.
Molecular consequence: missense variant.
Genome position (GRCh38, 1-based): chr2:108,897,079, G>A on the plus strand (C>T on the coding strand, the complement: EDAR is on the minus strand). VCF-style: chr2-108897079-G-A. GRCh37 (hg19) VCF-style: chr2-109513535-G-A.
Other names: short protein forms T392I.
Identifiers: ClinVar variation 463878 (VCV000463878.10), dbSNP rs899642068, ClinGen allele CA53464748.

ClinVar aggregate classification (germline): Uncertain significance (1 of 4 stars; one submission).

Conditions:
Ectodermal dysplasia 10A, hypohidrotic/hair/nail type, autosomal dominant (ECTD10A). Also called: Ectodermal Dysplasia 3, Anhidrotic. Identifiers: Orphanet 1810, Orphanet 238468, MedGen C3888065, MONDO:0007509, OMIM 129490.
Autosomal recessive hypohidrotic ectodermal dysplasia syndrome. Also called: Autosomal recessive hypohidrotic ectodermal dysplasia. Identifiers: Orphanet 248, MedGen C0406702, MONDO:0016619.

Allele frequency attached by ClinVar (database versions not stated): gnomAD 0.00001; TOPMed 0.00001.
gnomAD v4.1: 2 of 1,614,074 alleles (0.00012%); highest among the groups gnomAD compares: Non-Finnish European, 0.00017%; no homozygotes.

Submission:

Labcorp Genetics (formerly Invitae), Labcorp
Classification: Uncertain significance for Ectodermal dysplasia 10A, hypohidrotic/hair/nail type, autosomal dominant; Autosomal recessive hypohidrotic ectodermal dysplasia syndrome. Last evaluated: 2017-05-08. Review status: criteria provided, single submitter. Criteria: Invitae Variant Classification Sherloc (09022015). Collection method: clinical testing. Allele origin: germline.
Comment: In summary, this variant is a novel missense change with uncertain impact on protein function. It has been classified as a Variant of Uncertain Significance. Algorithms developed to predict the effect of missense changes on protein structure and function do not agree on the potential impact of this missense change (SIFT: "Deleterious"; PolyPhen-2: "Possibly Damaging"; Align-GVGD: "Class C15"). This variant is not present in population databases (ExAC no frequency) and has not been reported in the literature in individuals with an EDAR-related disease. This sequence change replaces threonine with isoleucine at codon 392 of the EDAR protein (p.Thr392Ile). The threonine residue is highly conserved and there is a moderate physicochemical difference between threonine and isoleucine.